The following is an entry in ClinVar:

ClinVar aggregate classification (germline): Uncertain significance. Review status: criteria provided, multiple submitters, no conflicts (2 of 4 stars). 2 submissions from 2 submitters: Uncertain significance (2). Last evaluated 2024-11-22.

Conditions:
Gastrointestinal stromal tumor. Also called: Gastrointestinal stroma tumor; Gastrointestinal stromal tumor, somatic. Identifiers: Orphanet 44890, MedGen C0238198, MeSH D046152, MONDO:0011719, OMIM 606764, HP:0100723.
Hereditary cancer-predisposing syndrome. Also called: Tumor predisposition; Hereditary neoplastic syndrome; Hereditary Cancer Syndrome; Neoplastic Syndromes, Hereditary. Identifiers: Orphanet 140162, MedGen C0027672, MeSH D009386, MONDO:0015356.

Allele frequency attached by ClinVar (database versions not stated): gnomAD 0.00001.
gnomAD v4.1: 1 of 1,614,020 alleles (0.000062%); highest among the groups gnomAD compares: Admixed American, 0.0017%; no homozygotes.

Submissions (2):

Ambry Genetics
Classification: Uncertain significance for Hereditary cancer-predisposing syndrome. Last evaluated: 2024-11-22. Review status: criteria provided, single submitter. Criteria: Ambry Variant Classification Scheme 2023. Collection method: clinical testing. Allele origin: germline.
Comment: The p.V39M variant (also known as c.115G>A), located in coding exon 2 of the PDGFRA gene, results from a G to A substitution at nucleotide position 115. The valine at codon 39 is replaced by methionine, an amino acid with highly similar properties. This amino acid position is well conserved in available vertebrate species. In addition, this alteration is predicted to be tolerated by in silico analysis. Since supporting evidence is limited at this time, the clinical significance of this alteration remains unclear.

Labcorp Genetics (formerly Invitae), Labcorp
Classification: Uncertain significance for Gastrointestinal stromal tumor. Last evaluated: 2019-06-01. Review status: criteria provided, single submitter. Criteria: Invitae Variant Classification Sherloc (09022015). Collection method: clinical testing. Allele origin: germline.
Comment: In summary, the available evidence is currently insufficient to determine the role of this variant in disease. Therefore, it has been classified as a Variant of Uncertain Significance. Algorithms developed to predict the effect of missense changes on protein structure and function output the following: SIFT: "Tolerated"; PolyPhen-2: "Benign"; Align-GVGD: "Class C0". The methionine amino acid residue is found in multiple mammalian species, suggesting that this missense change does not adversely affect protein function. These predictions have not been confirmed by published functional studies and their clinical significance is uncertain. This variant has not been reported in the literature in individuals with PDGFRA-related disease. This variant is not present in population databases (ExAC no frequency). This sequence change replaces valine with methionine at codon 39 of the PDGFRA protein (p.Val39Met). The valine residue is moderately conserved and there is a small physicochemical difference between valine and methionine.

NM_006206.6(PDGFRA):c.115G>A (p.Val39Met)

Gene: PDGFRA (platelet derived growth factor receptor alpha; plus strand). Cytogenetic location: 4q12.
Variant type: single nucleotide variant.
Coding change: c.115G>A on transcript NM_006206.6 (MANE Select); coding-DNA position 115, G replaced by A.
Protein change: p.Val39Met; replaces valine 39 with methionine.
Molecular consequence: missense variant.
Genome position (GRCh38, 1-based): chr4:54,261,160, G>A. VCF-style: chr4-54261160-G-A. GRCh37 (hg19) VCF-style: chr4-55127327-G-A.
Other names: c.115G>A, p.Val39Met (NM_001347827.2, NM_001347829.2); c.190G>A, p.Val64Met (NM_001347828.2); c.154G>A, p.Val52Met (NM_001347830.2); short protein forms V39M, V52M, V64M.
Identifiers: ClinVar variation 528536 (VCV000528536.14), dbSNP rs1553902356, ClinGen allele CA356888278.